The following is an entry in ClinVar:

NM_001004356.3(FGFRL1):c.865G>A (p.Glu289Lys)

Gene: FGFRL1 (fibroblast growth factor receptor like 1; plus strand). Cytogenetic location: 4p16.3.
Variant type: single nucleotide variant.
Coding change: c.865G>A on transcript NM_001004356.3 (MANE Select); coding-DNA position 865, G replaced by A.
Protein change: p.Glu289Lys; replaces glutamic acid 289 with lysine.
Molecular consequence: missense variant.
Genome position (GRCh38, 1-based): chr4:1,024,457, G>A. VCF-style: chr4-1024457-G-A. GRCh37 (hg19) VCF-style: chr4-1018245-G-A.
Other names: c.865G>A, p.Glu289Lys (NM_001004358.1, NM_001370296.1, NM_021923.3); short protein forms E289K.
Identifiers: ClinVar variation 2056225 (VCV002056225.7), dbSNP rs200852436, ClinGen allele CA2802891.

ClinVar aggregate classification (germline): Uncertain significance. Review status: criteria provided, multiple submitters, no conflicts (2 of 4 stars). 3 submissions from 3 submitters: Uncertain significance (2). 1 of the submissions does not count toward it. Last evaluated 2022-09-12.

Conditions:
FGFRL1-related disorder. Also called: FGFRL1-related condition.

Allele frequency attached by ClinVar (database versions not stated): gnomAD 0.00016; TOPMed 0.00017; ESP Exome Variant Server 0.00008; ExAC 0.00019; gnomAD exomes 0.00028.

Submissions (3):

Labcorp Genetics (formerly Invitae), Labcorp
Classification: Uncertain significance. Last evaluated: 2022-09-12. Review status: criteria provided, single submitter. Criteria: Invitae Variant Classification Sherloc (09022015). Collection method: clinical testing. Allele origin: germline.
Comment: This sequence change replaces glutamic acid, which is acidic and polar, with lysine, which is basic and polar, at codon 289 of the FGFRL1 protein (p.Glu289Lys). This variant is present in population databases (rs200852436, gnomAD 0.05%). This variant has not been reported in the literature in individuals affected with FGFRL1-related conditions. Algorithms developed to predict the effect of missense changes on protein structure and function are either unavailable or do not agree on the potential impact of this missense change (SIFT: "Tolerated"; PolyPhen-2: "Possibly Damaging"; Align-GVGD: "Class C0"). In summary, the available evidence is currently insufficient to determine the role of this variant in disease. Therefore, it has been classified as a Variant of Uncertain Significance.

Ambry Genetics
Classification: Uncertain significance. Last evaluated: 2021-07-09. Review status: criteria provided, single submitter. Criteria: Ambry Variant Classification Scheme 2023. Collection method: clinical testing. Allele origin: germline.

PreventionGenetics, part of Exact Sciences
Classification: Uncertain significance for FGFRL1-related condition. Last evaluated: 2023-12-22. Review status: no assertion criteria provided. Collection method: clinical testing. Allele origin: germline. Not counted in ClinVar's aggregate classification.
Comment: The FGFRL1 c.865G>A variant is predicted to result in the amino acid substitution p.Glu289Lys. To our knowledge, this variant has not been reported in the literature. This variant is reported in 0.048% of alleles in individuals of European (Finnish) descent in gnomAD. At this time, the clinical significance of this variant is uncertain due to the absence of conclusive functional and genetic evidence.